The following is an entry in ClinVar:

NM_198253.3(TERT):c.2813G>A (p.Arg938Gln)

Gene: TERT (telomerase reverse transcriptase; minus strand). Cytogenetic location: 5p15.33.
Variant type: single nucleotide variant.
Coding change: c.2813G>A on transcript NM_198253.3 (MANE Select); coding-DNA position 2813, G replaced by A.
Protein change: p.Arg938Gln; replaces arginine 938 with glutamine.
Molecular consequence: missense variant. On other transcripts: intron variant (1).
Genome position (GRCh38, 1-based): chr5:1,264,434, C>T on the plus strand (G>A on the coding strand, the complement: TERT is on the minus strand). VCF-style: chr5-1264434-C-T. GRCh37 (hg19) VCF-style: chr5-1264549-C-T.
Other names: c.2654+2030G>A (NM_001193376.3); short protein forms R938Q.
Identifiers: ClinVar variation 665677 (VCV000665677.12), dbSNP rs199741493, ClinGen allele CA3184390.

ClinVar aggregate classification (germline): Conflicting classifications of pathogenicity. Review status: criteria provided, conflicting classifications (1 of 4 stars). 5 submissions from 5 submitters: Uncertain significance (4); Likely benign (1). Last evaluated 2026-01-19.

Conditions:
Dyskeratosis congenita, autosomal dominant 2. Identifiers: MedGen C3151443, MONDO:0013521, OMIM 613989.
TERT-related disorder. Also called: TERT-related disorders; TERT-related condition.
Dyskeratosis congenita. Identifiers: Orphanet 1775, MedGen C0265965, MONDO:0015780.
Idiopathic Pulmonary Fibrosis. Also called: Idiopathic fibrosing alveolitis, chronic form; idiopathic fibrosing alveolitis. Identifiers: Orphanet 2032, MedGen C1800706, MeSH D054990, MONDO:0800504.

Allele frequency attached by ClinVar (database versions not stated): gnomAD below 0.00001 and 0.00003; gnomAD exomes 0.00002 and 0.00004; TOPMed 0.00004; ExAC 0.00006; 1000 Genomes Project 0.00040; 1000 Genomes Project 30x 0.00047.
gnomAD v4.1: 28 of 1,613,398 alleles (0.0017%); highest among the groups gnomAD compares: Middle Eastern, 0.016%; no homozygotes.

Submissions (5):

Labcorp Genetics (formerly Invitae), Labcorp
Classification: Likely benign for Dyskeratosis congenita, autosomal dominant 2; Idiopathic Pulmonary Fibrosis. Last evaluated: 2026-01-19. Review status: criteria provided, single submitter. Criteria: Invitae Variant Classification Sherloc (09022015). Collection method: clinical testing. Allele origin: germline.

Ambry Genetics
Classification: Uncertain significance for Dyskeratosis congenita. Last evaluated: 2025-06-09. Review status: criteria provided, single submitter. Criteria: Ambry Variant Classification Scheme 2023. Collection method: clinical testing. Allele origin: germline.
Comment: The p.R938Q variant (also known as c.2813G>A), located in coding exon 11 of the TERT gene, results from a G to A substitution at nucleotide position 2813. The arginine at codon 938 is replaced by glutamine, an amino acid with highly similar properties. This amino acid position is not well conserved in available vertebrate species. In addition, this alteration is predicted to be tolerated by in silico analysis. Based on the available evidence, the clinical significance of this variant remains unclear.

PreventionGenetics, part of Exact Sciences
Classification: Uncertain significance for TERT-related condition. Last evaluated: 2023-03-28. Review status: criteria provided, single submitter. Criteria: ACMG Guidelines, 2015. Collection method: clinical testing. Allele origin: germline.
Comment: The TERT c.2813G>A variant is predicted to result in the amino acid substitution p.Arg938Gln. To our knowledge, this variant has not been reported in the literature. This variant is reported in 0.015% of alleles in individuals of Latino descent in gnomAD. It is interpreted as uncertain significance in ClinVar. At this time, the clinical significance of this variant is uncertain due to the absence of conclusive functional and genetic evidence.

GeneDx
Classification: Uncertain significance. Last evaluated: 2022-10-14. Review status: criteria provided, single submitter. Criteria: GeneDx Variant Classification Process June 2021. Collection method: clinical testing. Allele origin: germline. Affected: yes.
Comment: In silico analysis supports that this missense variant does not alter protein structure/function; Has not been previously published as pathogenic or benign to our knowledge

Baylor Genetics
Classification: Uncertain significance for Dyskeratosis congenita, autosomal dominant 2. Last evaluated: 2020-11-18. Review status: criteria provided, single submitter. Criteria: ACMG Guidelines, 2015. Collection method: clinical testing. Allele origin: paternal. Affected: yes. Study: CSER-TexasKidsCanSeq.
Comment: This variant was determined to be of uncertain significance according to ACMG Guidelines, 2015 [PMID:25741868].